The following is an entry in ClinVar:

ClinVar aggregate classification (germline): Conflicting classifications of pathogenicity. Review status: criteria provided, conflicting classifications (1 of 4 stars). 3 submissions from 3 submitters: Uncertain significance (2); Likely benign (1). Last evaluated 2024-08-12.

Conditions:
Primary ciliary dyskinesia. Also called: Ciliary dyskinesia. Identifiers: Orphanet 244, MedGen C0008780, MONDO:0016575, HP:0012265.

Allele frequency attached by ClinVar (database versions not stated): TOPMed 0.00002; gnomAD 0.00003 and 0.00004; gnomAD exomes 0.00003 and 0.00004; ExAC 0.00004.
gnomAD v4.1: 48 of 1,613,260 alleles (0.003%); highest among the groups gnomAD compares: Non-Finnish European, 0.003%; no homozygotes.

Submissions (3):

Labcorp Genetics (formerly Invitae), Labcorp
Classification: Uncertain significance for Primary ciliary dyskinesia. Last evaluated: 2024-08-12. Review status: criteria provided, single submitter. Criteria: Invitae Variant Classification Sherloc (09022015). Collection method: clinical testing. Allele origin: germline.
Comment: This sequence change affects codon 498 of the DNAI2 mRNA. It is a 'silent' change, meaning that it does not change the encoded amino acid sequence of the DNAI2 protein. It affects a nucleotide within the consensus splice site. The frequency data for this variant in the population databases is considered unreliable, as metrics indicate poor data quality at this position in the gnomAD database. This variant has not been reported in the literature in individuals affected with DNAI2-related conditions. ClinVar contains an entry for this variant (Variation ID: 1498265). Algorithms developed to predict the effect of sequence changes on RNA splicing suggest that this variant is not likely to affect RNA splicing. In summary, the available evidence is currently insufficient to determine the role of this variant in disease. Therefore, it has been classified as a Variant of Uncertain Significance.

Blueprint Genetics
Classification: Uncertain significance. Last evaluated: 2024-04-05. Review status: criteria provided, single submitter. Criteria: ACMG Guidelines, 2015. Collection method: clinical testing. Allele origin: germline.

Ambry Genetics
Classification: Likely benign for Primary ciliary dyskinesia. Last evaluated: 2017-09-18. Review status: criteria provided, single submitter. Criteria: Ambry Variant Classification Scheme 2023. Collection method: clinical testing. Allele origin: germline.

NM_023036.6(DNAI2):c.1494C>T (p.Ser498=)

Gene: DNAI2 (dynein axonemal intermediate chain 2; plus strand). Cytogenetic location: 17q25.1.
Variant type: single nucleotide variant.
Coding change: c.1494C>T on transcript NM_023036.6 (MANE Select); coding-DNA position 1494, C replaced by T.
Protein change: p.Ser498=; no amino-acid change (serine 498 retained).
Molecular consequence: synonymous variant. On other transcripts: non-coding transcript variant (1).
Genome position (GRCh38, 1-based): chr17:74,310,163, C>T. VCF-style: chr17-74310163-C-T. GRCh37 (hg19) VCF-style: chr17-72306302-C-T.
Other names: c.1458C>T, p.Ser486= (NM_001172810.3); c.1494C>T, p.Ser498= (NM_001353167.2).
Identifiers: ClinVar variation 1498265 (VCV001498265.7), dbSNP rs761516740, ClinGen allele CA8745790.
Genomic context (GRCh38, chr17:74,310,163, plus strand): 5'-GCTGGAGGTCTCGCCTGGGCTCTCTACCCTCCAGAGGAATGAGAAGAACGTAGCCTCTTC[C>T]GTAAGCACCGGGTGCCTGGGGAAAATCCCTCCAGCACGTCCCGACCTGGCCCCACAGCAG-3'
Protein context (NP_075462.3, residues 488-508): LQRNEKNVAS[Ser498=]MFERETRREK